The following is an entry in ClinVar:

ClinVar aggregate classification (germline): Pathogenic (1 of 4 stars; one submission).

Conditions:
Neurofibromatosis, type 1 (NF1). Also called: Neurofibromatosis, type I; VON RECKLINGHAUSEN DISEASE; NEUROFIBROMATOSIS, TYPE I, SOMATIC; Peripheral type neurofibromatosis. Identifiers: Orphanet 636, MedGen C0027831, MONDO:0018975, OMIM 162200. Disease mechanism: loss of function.

Submission:

Labcorp Genetics (formerly Invitae), Labcorp
Classification: Pathogenic for Neurofibromatosis, type 1. Last evaluated: 2021-08-09. Review status: criteria provided, single submitter. Criteria: Invitae Variant Classification Sherloc (09022015). Collection method: clinical testing. Allele origin: germline.
Comment: This sequence change creates a premature translational stop signal (p.Arg1949Serfs*6) in the NF1 gene. It is expected to result in an absent or disrupted protein product. Loss-of-function variants in NF1 are known to be pathogenic (PMID: 10712197, 23913538). This variant is not present in population databases (ExAC no frequency). This premature translational stop signal has been observed in individual(s) with neurofibromatosis type 1 (PMID: 10712197). For these reasons, this variant has been classified as Pathogenic.

Literature cited by the submitters: PubMed 10712197; PubMed 23913538.

NM_001042492.3(NF1):c.5910_5911del (p.Arg1970fs)

Gene: NF1 (neurofibromin 1; plus strand). Cytogenetic location: 17q11.2.
Variant type: Microsatellite.
Coding change: c.5910_5911del on transcript NM_001042492.3 (MANE Select); coding-DNA positions 5910 to 5911, 2 bases deleted (AG; older notation c.5910_5911delAG).
Protein change: p.Arg1970fs; shifts the reading frame from arginine 1970.
Molecular consequence: frameshift variant.
Genome position (GRCh38, 1-based): chr17:31,334,935-31,334,936, AG deleted; deleting any 2 consecutive bases within chr17:31,334,933-31,334,936 gives the same sequence; the c. name uses the placement nearest the transcript's 3' end. VCF-style (leftmost placement, unchanged base first): chr17-31334932-AAG-A. GRCh37 (hg19) VCF-style: chr17-29661950-AAG-A.
Other names: c.5845_5846AG[1], p.Arg1949Serfs (NM_000267.4); short protein forms R1970fs, R1949fs.
Identifiers: ClinVar variation 1456956 (VCV001456956.6), dbSNP rs2151550502, ClinGen allele CA2580614072.